The following is an entry in ClinVar:

ClinVar aggregate classification (germline): Uncertain significance (0 of 4 stars; one submission).

Submission:

Martin Pollak Laboratory,  Beth Israel Deaconess Medical Center
Classification: Uncertain significance. Review status: no assertion criteria provided. Collection method: not provided. Allele origin: unknown.
Comment: Lower UCa2+ group
ClinVar note: Converted during submission from unknown to Uncertain significance.

NM_001130012.3(NHERF2):c.252G>A (p.Arg84=)

Gene: NHERF2 (NHERF family PDZ scaffold protein 2; plus strand). Cytogenetic location: 16p13.3.
Variant type: single nucleotide variant.
Coding change: c.252G>A on transcript NM_001130012.3 (MANE Select); coding-DNA position 252, G replaced by A.
Protein change: p.Arg84=; no amino-acid change (arginine 84 retained).
Molecular consequence: synonymous variant.
Genome position (GRCh38, 1-based): chr16:2,029,620, G>A. VCF-style: chr16-2029620-G-A. GRCh37 (hg19) VCF-style: chr16-2079621-G-A.
Other names: c.252G>A, p.Arg84= (NM_004785.6).
Identifiers: ClinVar variation 64482 (VCV000064482.3), dbSNP rs387907539, ClinGen allele CA216242.